The following is an entry in ClinVar:

NM_014795.4(ZEB2):c.2973C>T (p.Ile991=)

Gene: ZEB2 (zinc finger E-box binding homeobox 2; minus strand). Cytogenetic location: 2q22.3.
Variant type: single nucleotide variant.
Coding change: c.2973C>T on transcript NM_014795.4 (MANE Select); coding-DNA position 2973, C replaced by T.
Protein change: p.Ile991=; no amino-acid change (isoleucine 991 retained).
Molecular consequence: synonymous variant.
Genome position (GRCh38, 1-based): chr2:144,396,506, G>A on the plus strand (C>T on the coding strand, the complement: ZEB2 is on the minus strand). VCF-style: chr2-144396506-G-A. GRCh37 (hg19) VCF-style: chr2-145154073-G-A.
Other names: p.I991I:ATC>ATT; c.2901C>T, p.Ile967= (NM_001171653.2).
Identifiers: ClinVar variation 137954 (VCV000137954.41), dbSNP rs572507342, ClinGen allele CA291680.

ClinVar aggregate classification (germline): Benign/Likely benign. Review status: criteria provided, multiple submitters, no conflicts (2 of 4 stars). 7 submissions from 7 submitters: Benign (4); Likely benign (3). Last evaluated 2026-01-12.

Conditions:
Inborn genetic diseases. Identifiers: MedGen C0950123, MeSH D030342.
Mowat-Wilson syndrome (MOWS). Also called: Classic Mowat-Wilson Syndrome. Identifiers: Orphanet 2152, MedGen C1856113, MONDO:0009341, OMIM 235730.

Allele frequency attached by ClinVar (database versions not stated): TOPMed 0.00011; ExAC 0.00013; gnomAD exomes 0.00014; 1000 Genomes Project 30x 0.00031; 1000 Genomes Project 0.00040.
gnomAD v4.1: 113 of 1,614,092 alleles (0.007%); highest among the groups gnomAD compares: Middle Eastern, 0.12%; 1 homozygote.

Submissions (7):

Labcorp Genetics (formerly Invitae), Labcorp
Classification: Benign for Mowat-Wilson syndrome. Last evaluated: 2026-01-12. Review status: criteria provided, single submitter. Criteria: Invitae Variant Classification Sherloc (09022015). Collection method: clinical testing. Allele origin: germline.

Blueprint Genetics
Classification: Likely benign. Last evaluated: 2024-10-09. Review status: criteria provided, single submitter. Criteria: ACMG Guidelines, 2015. Collection method: clinical testing. Allele origin: germline.

CeGaT Center for Human Genetics Tuebingen
Classification: Likely benign. Last evaluated: 2024-05-01. Review status: criteria provided, single submitter. Criteria: CeGaT Center For Human Genetics Tuebingen Variant Classification Criteria Version 2. Collection method: clinical testing. Allele origin: germline. Affected: yes. Observed: 1 variant allele.
Comment: ZEB2: BP4, BS2

Genome-Nilou Lab
Classification: Benign for Mowat-Wilson syndrome. Last evaluated: 2021-11-07. Review status: criteria provided, single submitter. Criteria: ACMG Guidelines, 2015. Collection method: clinical testing. Allele origin: germline. Affected: no.

Ambry Genetics
Classification: Benign for Inborn genetic diseases. Last evaluated: 2019-03-25. Review status: criteria provided, single submitter. Criteria: Ambry Variant Classification Scheme 2023. Collection method: clinical testing. Allele origin: germline.

Genetic Services Laboratory, University of Chicago
Classification: Likely benign. Last evaluated: 2016-03-17. Review status: criteria provided, single submitter. Criteria: ACMG Guidelines, 2015. Collection method: clinical testing. Allele origin: germline. Affected: no.

GeneDx
Classification: Benign. Last evaluated: 2013-06-21. Review status: criteria provided, single submitter. Criteria: GeneDx Variant Classification (06012015). Collection method: clinical testing. Allele origin: germline. Affected: yes.
Comment: This variant is considered likely benign or benign based on one or more of the following criteria: it is a conservative change, it occurs at a poorly conserved position in the protein, it is predicted to be benign by multiple in silico algorithms, and/or has population frequency not consistent with disease.